The following is an entry in ClinVar:

ClinVar aggregate classification (germline): Uncertain significance (1 of 4 stars; one submission).

gnomAD v4.1: 2 of 1,562,354 alleles (0.00013%); highest among the groups gnomAD compares: Admixed American, 0.0019%; no homozygotes.

Submission:

Labcorp Genetics (formerly Invitae), Labcorp
Classification: Uncertain significance. Last evaluated: 2025-12-03. Review status: criteria provided, single submitter. Criteria: Invitae Variant Classification Sherloc (09022015). Collection method: clinical testing. Allele origin: germline.
Comment: This sequence change replaces glycine, which is neutral and non-polar, with glutamic acid, which is acidic and polar, at codon 232 of the COL9A3 protein (p.Gly232Glu). This variant is not present in population databases (gnomAD no frequency). This variant has not been reported in the literature in individuals affected with COL9A3-related conditions. ClinVar contains an entry for this variant (Variation ID: 1993238). Invitae Evidence Modeling of protein sequence and biophysical properties (such as structural, functional, and spatial information, amino acid conservation, physicochemical variation, residue mobility, and thermodynamic stability) indicates that this missense variant is expected to disrupt COL9A3 protein function with a positive predictive value of 95%. In summary, the available evidence is currently insufficient to determine the role of this variant in disease. Therefore, it has been classified as a Variant of Uncertain Significance.

NM_001853.4(COL9A3):c.695G>A (p.Gly232Glu)

Gene: COL9A3 (collagen type IX alpha 3 chain; plus strand). Cytogenetic location: 20q13.33.
Variant type: single nucleotide variant.
Coding change: c.695G>A on transcript NM_001853.4 (MANE Select); coding-DNA position 695, G replaced by A.
Protein change: p.Gly232Glu; replaces glycine 232 with glutamic acid.
Molecular consequence: missense variant.
Genome position (GRCh38, 1-based): chr20:62,826,214, G>A. VCF-style: chr20-62826214-G-A. GRCh37 (hg19) VCF-style: chr20-61457566-G-A.
Other names: short protein forms G232E.
Identifiers: ClinVar variation 1993238 (VCV001993238.4), dbSNP rs866605924, ClinGen allele CA409591865.